The following is an entry in ClinVar:

ClinVar aggregate classification (germline): Uncertain significance (1 of 4 stars; one submission).

Conditions:
Hereditary cancer-predisposing syndrome. Also called: Hereditary neoplastic syndrome; Neoplastic Syndromes, Hereditary; Tumor predisposition; Hereditary Cancer Syndrome. Identifiers: Orphanet 140162, MedGen C0027672, MeSH D009386, MONDO:0015356.

Submission:

Ambry Genetics
Classification: Uncertain significance for Hereditary cancer-predisposing syndrome. Last evaluated: 2025-08-27. Review status: criteria provided, single submitter. Criteria: Ambry Variant Classification Scheme 2023. Collection method: clinical testing. Allele origin: germline.
Comment: The p.T94K variant (also known as c.281C>A), located in coding exon 3 of the MUTYH gene, results from a C to A substitution at nucleotide position 281. The threonine at codon 94 is replaced by lysine, an amino acid with similar properties. This amino acid position is conserved. In addition, this alteration is predicted to be tolerated by in silico analysis. Based on the available evidence, the clinical significance of this variant remains unclear.

NM_001048174.2(MUTYH):c.197C>A (p.Thr66Lys)

Gene: MUTYH (mutY DNA glycosylase; minus strand). Cytogenetic location: 1p34.1.
Variant type: single nucleotide variant.
Coding change: c.197C>A on transcript NM_001048174.2 (MANE Select); coding-DNA position 197, C replaced by A.
Protein change: p.Thr66Lys; replaces threonine 66 with lysine.
Molecular consequence: missense variant. On other transcripts: 5 prime UTR variant (6), non-coding transcript variant (7).
Genome position (GRCh38, 1-based): chr1:45,333,480, G>T on the plus strand (C>A on the coding strand, the complement: MUTYH is on the minus strand). VCF-style: chr1-45333480-G-T. GRCh37 (hg19) VCF-style: chr1-45799152-G-T.
Other names: c.242C>A, p.Thr81Lys (NM_001293190.2); c.230C>A, p.Thr77Lys (NM_001293191.2, NM_001407077.1); c.-80C>A (NM_001293192.2, NM_001293196.2, NM_001407091.1); c.197C>A, p.Thr66Lys (NM_001293195.2, NM_001407070.1, NM_001407072.1 and 6 more transcripts); c.-75C>A (NM_001350650.2, NM_001350651.2, NM_001407082.1); c.272C>A, p.Thr91Lys (NM_001407069.1, NM_012222.3); c.200C>A, p.Thr67Lys (NM_001407071.1, NM_001407078.1, NM_001407079.1 and 2 more transcripts); c.239C>A, p.Thr80Lys (NM_001407073.1, NM_001407083.1, NM_001407085.1); and 3 more; short protein forms T38K, T67K, T73K, T81K, T91K, T94K, T66K, T77K.
Identifiers: ClinVar variation 4113578 (VCV004113578.1).